The following is an entry in ClinVar:

NM_004006.3(DMD):c.11012G>C (p.Arg3671Thr)

Gene: DMD (dystrophin; minus strand). Cytogenetic location: Xp21.2.
Variant type: single nucleotide variant.
Coding change: c.11012G>C on transcript NM_004006.3 (MANE Select); coding-DNA position 11012, G replaced by C.
Protein change: p.Arg3671Thr; replaces arginine 3671 with threonine.
Molecular consequence: missense variant.
Genome position (GRCh38, 1-based): chrX:31,134,104, C>G on the plus strand (G>C on the coding strand, the complement: DMD is on the minus strand). VCF-style: chrX-31134104-C-G. GRCh37 (hg19) VCF-style: chrX-31152221-C-G.
Other names: c.10988G>C, p.Arg3663Thr (NM_000109.4); c.11000G>C, p.Arg3667Thr (NM_004009.3); c.10643G>C, p.Arg3548Thr (NM_004010.3); c.6989G>C, p.Arg2330Thr (NM_004011.4); c.6980G>C, p.Arg2327Thr (NM_004012.4); c.3632G>C, p.Arg1211Thr (NM_004013.3, NM_004021.3); c.2825G>C, p.Arg942Thr (NM_004014.3); c.1808G>C, p.Arg603Thr (NM_004015.3, NM_004016.3); and 3 more; short protein forms R2327T, R2330T, R590T, R603T, R942T, R1101T, R3667T, R3548T.
Identifiers: ClinVar variation 4713314 (VCV004713314.1).

ClinVar aggregate classification (germline): Uncertain significance (1 of 4 stars; one submission).

Conditions:
Duchenne muscular dystrophy (DMD). Also called: MUSCULAR DYSTROPHY, PSEUDOHYPERTROPHIC PROGRESSIVE, DUCHENNE TYPE; Duchenne Muscular Dystrophy (DMD). Identifiers: Orphanet 98896, MedGen C0013264, MONDO:0010679, OMIM 310200.

Submission:

Labcorp Genetics (formerly Invitae), Labcorp
Classification: Uncertain significance for Duchenne muscular dystrophy. Last evaluated: 2025-02-17. Review status: criteria provided, single submitter. Criteria: Invitae Variant Classification Sherloc (09022015). Collection method: clinical testing. Allele origin: germline.
Comment: This sequence change replaces arginine, which is basic and polar, with threonine, which is neutral and polar, at codon 3671 of the DMD protein (p.Arg3671Thr). This variant is not present in population databases (gnomAD no frequency). This variant has not been reported in the literature in individuals affected with DMD-related conditions. An algorithm developed to predict the effect of missense changes on protein structure and function (PolyPhen-2) suggests that this variant is likely to be tolerated. In summary, the available evidence is currently insufficient to determine the role of this variant in disease. Therefore, it has been classified as a Variant of Uncertain Significance.